The following is an entry in ClinVar:

NM_030962.4(SBF2):c.4052C>A (p.Ala1351Asp)

Gene: SBF2 (SET binding factor 2; minus strand). Cytogenetic location: 11p15.4.
Variant type: single nucleotide variant.
Coding change: c.4052C>A on transcript NM_030962.4 (MANE Select); coding-DNA position 4052, C replaced by A.
Protein change: p.Ala1351Asp; replaces alanine 1351 with aspartic acid.
Molecular consequence: missense variant.
Genome position (GRCh38, 1-based): chr11:9,812,635, G>T on the plus strand (C>A on the coding strand, the complement: SBF2 is on the minus strand). VCF-style: chr11-9812635-G-T. GRCh37 (hg19) VCF-style: chr11-9834182-G-T.
Other names: c.4148C>A, p.Ala1383Asp (NM_001386339.1); c.3923C>A, p.Ala1308Asp (NM_001386342.1); short protein forms A1308D, A1383D, A1351D.
Identifiers: ClinVar variation 1449981 (VCV001449981.6), dbSNP rs2133904474, ClinGen allele CA379643313.
Genomic context (GRCh38, chr11:9,812,635, plus strand): 5'-ACTTCTGAGTCAGTAGGGATGGTGCTTGGGATACAAGCCCTCATCAGCTTCTTAAAACTG[G>T]CTTTCACTTGCCGGATTTCATGAAATTCAACAGGAACAAACTCACAATTTAAAGCAAATT-3'
Protein context (NP_112224.1, residues 1341-1361): VEFHEIRQVK[Ala1351Asp]SFKKLMRACI

ClinVar aggregate classification (germline): Uncertain significance (1 of 4 stars; one submission).

Conditions:
Charcot-Marie-Tooth disease type 4. Also called: Charcot-Marie-Tooth disease, type IV; Charcot-Marie-Tooth, Type 4. Identifiers: Orphanet 64749, MedGen C4082197, MONDO:0018995.

Allele frequency attached by ClinVar (database versions not stated): gnomAD exomes below 0.00001.
gnomAD v4.1: 2 of 1,614,172 alleles (0.00012%); highest among the groups gnomAD compares: Non-Finnish European, 0.00017%; no homozygotes.

Submission:

Labcorp Genetics (formerly Invitae), Labcorp
Classification: Uncertain significance for Charcot-Marie-Tooth disease type 4. Last evaluated: 2025-07-07. Review status: criteria provided, single submitter. Criteria: Invitae Variant Classification Sherloc (09022015). Collection method: clinical testing. Allele origin: germline.
Comment: This sequence change replaces alanine, which is neutral and non-polar, with aspartic acid, which is acidic and polar, at codon 1351 of the SBF2 protein (p.Ala1351Asp). This variant is not present in population databases (gnomAD no frequency). This variant has not been reported in the literature in individuals affected with SBF2-related conditions. ClinVar contains an entry for this variant (Variation ID: 1449981). Invitae Evidence Modeling of protein sequence and biophysical properties (such as structural, functional, and spatial information, amino acid conservation, physicochemical variation, residue mobility, and thermodynamic stability) has been performed for this missense variant. However, the output from this modeling did not meet the statistical confidence thresholds required to predict the impact of this variant on SBF2 protein function. In summary, the available evidence is currently insufficient to determine the role of this variant in disease. Therefore, it has been classified as a Variant of Uncertain Significance.